The following is an entry in ClinVar:

NM_148897.3(SDR9C7):c.699C>G (p.Ser233Arg)

Gene: SDR9C7 (short chain dehydrogenase/reductase family 9C member 7; minus strand). Cytogenetic location: 12q13.3.
Variant type: single nucleotide variant.
Coding change: c.699C>G on transcript NM_148897.3 (MANE Select); coding-DNA position 699, C replaced by G.
Protein change: p.Ser233Arg; replaces serine 233 with arginine.
Molecular consequence: missense variant.
Genome position (GRCh38, 1-based): chr12:56,929,415, G>C on the plus strand (C>G on the coding strand, the complement: SDR9C7 is on the minus strand). VCF-style: chr12-56929415-G-C. GRCh37 (hg19) VCF-style: chr12-57323199-G-C.
Other names: short protein forms S233R.
Identifiers: ClinVar variation 1310088 (VCV001310088.2), dbSNP rs1473258516, ClinGen allele CA385383313.
Genomic context (GRCh38, chr12:56,929,415, plus strand): 5'-CCCTCAGAGACCCCTCTCCTGCCCCAGGAACTTACAGATGCGGAAATAATCCTCTCCGTA[G>C]CTGTCCCGGGTCTCCTGAGGCAGCCTCTCCCAAAGCTTTCGCATGCGTGACTCCAGGTTC-3'
Protein context (NP_683695.1, residues 223-243): WERLPQETRD[Ser233Arg]YGEDYFRIYT

ClinVar aggregate classification (germline): Uncertain significance (1 of 4 stars; one submission).

Allele frequency attached by ClinVar (database versions not stated): gnomAD exomes 0.00001.

Submission:

GeneDx
Classification: Uncertain significance. Last evaluated: 2021-06-14. Review status: criteria provided, single submitter. Criteria: GeneDx Variant Classification Process June 2021. Collection method: clinical testing. Allele origin: germline. Affected: yes.
Comment: Not observed in large population cohorts (Lek et al., 2016); In silico analysis supports that this missense variant does not alter protein structure/function; In silico analysis, which includes splice predictors and evolutionary conservation, suggests this variant may impact gene splicing. In the absence of RNA/functional studies, the actual effect of this sequence change is unknown.; Has not been previously published as pathogenic or benign to our knowledge; This variant is associated with the following publications: (PMID: 27535533)